The following is an entry in ClinVar:

ClinVar aggregate classification (germline): Conflicting classifications of pathogenicity. Review status: criteria provided, conflicting classifications (1 of 4 stars). 2 submissions from 2 submitters: Uncertain significance (1); Likely benign (1). Last evaluated 2025-09-27.

Allele frequency attached by ClinVar (database versions not stated): TOPMed 0.00004; gnomAD 0.00005; ESP Exome Variant Server 0.00013.

Submissions (2):

Ambry Genetics
Classification: Uncertain significance. Last evaluated: 2025-09-27. Review status: criteria provided, single submitter. Criteria: Ambry Variant Classification Scheme 2023. Collection method: clinical testing. Allele origin: germline.

CeGaT Center for Human Genetics Tuebingen
Classification: Likely benign. Last evaluated: 2023-02-01. Review status: criteria provided, single submitter. Criteria: CeGaT Center For Human Genetics Tuebingen Variant Classification Criteria Version 2. Collection method: clinical testing. Allele origin: germline. Affected: yes. Observed: 1 variant allele.
Comment: GLUD2: BS2

NM_012084.4(GLUD2):c.38G>T (p.Arg13Leu)

Gene: GLUD2 (glutamate dehydrogenase 2; plus strand). Cytogenetic location: Xq24.
Variant type: single nucleotide variant.
Coding change: c.38G>T on transcript NM_012084.4 (MANE Select); coding-DNA position 38, G replaced by T.
Protein change: p.Arg13Leu; replaces arginine 13 with leucine.
Molecular consequence: missense variant.
Genome position (GRCh38, 1-based): chrX:121,047,722, G>T. VCF-style: chrX-121047722-G-T. GRCh37 (hg19) VCF-style: chrX-120181576-G-T.
Other names: short protein forms R13L.
Identifiers: ClinVar variation 2593534 (VCV002593534.26), dbSNP rs199547711, ClinGen allele CA10506458.